The following is an entry in ClinVar:

NM_001267550.2(TTN):c.24045A>T (p.Ser8015=)

Gene: TTN (titin; minus strand). Cytogenetic location: 2q31.2.
Variant type: single nucleotide variant.
Coding change: c.24045A>T on transcript NM_001267550.2 (MANE Select); coding-DNA position 24045, A replaced by T.
Protein change: p.Ser8015=; no amino-acid change (serine 8015 retained).
Molecular consequence: synonymous variant. On other transcripts: intron variant (3).
Genome position (GRCh38, 1-based): chr2:178,719,345, T>A on the plus strand (A>T on the coding strand, the complement: TTN is on the minus strand). VCF-style: chr2-178719345-T-A. GRCh37 (hg19) VCF-style: chr2-179584072-T-A.
Other names: c.24045A>T (NM_001267550.1); c.23094A>T, p.Ser7698= (NM_001256850.1); c.20313A>T, p.Ser6771= (NM_133378.4); c.13282+18737A>T (NM_003319.4); c.13858+18737A>T (NM_133437.4); c.13657+18737A>T (NM_133432.3).
Identifiers: ClinVar variation 413099 (VCV000413099.15), dbSNP rs1060503946, ClinGen allele CA16610578.

ClinVar aggregate classification (germline): Conflicting classifications of pathogenicity. Review status: criteria provided, conflicting classifications (1 of 4 stars). 3 submissions from 3 submitters: Uncertain significance (2); Likely benign (1). Last evaluated 2024-07-30.

Conditions:
Autosomal recessive limb-girdle muscular dystrophy type 2J (LGMDR10). Also called: Limb-girdle muscular dystrophy, type 2J; MUSCULAR DYSTROPHY, LIMB-GIRDLE, AUTOSOMAL RECESSIVE 10. Identifiers: Orphanet 140922, MedGen C1837342, MONDO:0012127, OMIM 608807.
Dilated cardiomyopathy 1G (CMD1G). Identifiers: Orphanet 154, MedGen C1858763, MONDO:0011400, OMIM 604145.

Allele frequency attached by ClinVar (database versions not stated): TOPMed 0.00002.

Submissions (3):

Labcorp Genetics (formerly Invitae), Labcorp
Classification: Likely benign for Dilated cardiomyopathy 1G; Autosomal recessive limb-girdle muscular dystrophy type 2J. Last evaluated: 2024-07-30. Review status: criteria provided, single submitter. Criteria: Invitae Variant Classification Sherloc (09022015). Collection method: clinical testing. Allele origin: germline.

GeneDx
Classification: Uncertain significance. Last evaluated: 2024-05-07. Review status: criteria provided, single submitter. Criteria: GeneDx Variant Classification Process June 2021. Collection method: clinical testing. Allele origin: germline. Affected: yes.
Comment: Not observed at significant frequency in large population cohorts (gnomAD); Has not been previously published as pathogenic or benign to our knowledge; In silico analysis suggests this variant may impact gene splicing. In the absence of RNA/functional studies, the actual effect of this sequence change is unknown.

Eurofins Ntd Llc (ga)
Classification: Uncertain significance. Last evaluated: 2018-07-31. Review status: criteria provided, single submitter. Criteria: EGL ClinVar v180209 classification definitions. Collection method: clinical testing. Allele origin: germline. Observed: 1 variant allele, 1 heterozygote.